The following is an entry in ClinVar:

ClinVar aggregate classification (germline): Uncertain significance. Review status: criteria provided, multiple submitters, no conflicts (2 of 4 stars). 2 submissions from 2 submitters: Uncertain significance (2). Last evaluated 2025-07-06.

Conditions:
Gorlin syndrome. Also called: Nevoid Basal Cell Carcinoma Syndrome; Basal cell nevus syndrome. Identifiers: Orphanet 377, MedGen C0004779, MONDO:0007187.
Medulloblastoma (MDB). Also called: MEDULLOBLASTOMA PREDISPOSITION SYNDROME; Medulloblastoma, somatic. Identifiers: Orphanet 616, MedGen C0025149, MeSH D008527, MONDO:0007959, OMIM 155255, HP:0002885.
Hereditary cancer-predisposing syndrome. Also called: Hereditary neoplastic syndrome; Tumor predisposition; Neoplastic Syndromes, Hereditary; Hereditary Cancer Syndrome. Identifiers: Orphanet 140162, MedGen C0027672, MeSH D009386, MONDO:0015356.

Allele frequency attached by ClinVar (database versions not stated): TOPMed 0.00001.
gnomAD v4.1: 2 of 1,613,204 alleles (0.00012%); highest among the groups gnomAD compares: East Asian, 0.0022%; no homozygotes.

Submissions (2):

Labcorp Genetics (formerly Invitae), Labcorp
Classification: Uncertain significance for Gorlin syndrome; Medulloblastoma. Last evaluated: 2025-07-06. Review status: criteria provided, single submitter. Criteria: Invitae Variant Classification Sherloc (09022015). Collection method: clinical testing. Allele origin: germline.
Comment: This sequence change replaces phenylalanine, which is neutral and non-polar, with serine, which is neutral and polar, at codon 245 of the SUFU protein (p.Phe245Ser). This variant is not present in population databases (gnomAD no frequency). This variant has not been reported in the literature in individuals affected with SUFU-related conditions. ClinVar contains an entry for this variant (Variation ID: 860681). Invitae Evidence Modeling of protein sequence and biophysical properties (such as structural, functional, and spatial information, amino acid conservation, physicochemical variation, residue mobility, and thermodynamic stability) indicates that this missense variant is not expected to disrupt SUFU protein function with a negative predictive value of 80%. In summary, the available evidence is currently insufficient to determine the role of this variant in disease. Therefore, it has been classified as a Variant of Uncertain Significance.

Ambry Genetics
Classification: Uncertain significance for Hereditary cancer-predisposing syndrome. Last evaluated: 2024-08-30. Review status: criteria provided, single submitter. Criteria: Ambry Variant Classification Scheme 2023. Collection method: clinical testing. Allele origin: germline.
Comment: The p.F245S variant (also known as c.734T>C), located in coding exon 6 of the SUFU gene, results from a T to C substitution at nucleotide position 734. The phenylalanine at codon 245 is replaced by serine, an amino acid with highly dissimilar properties. This amino acid position is highly conserved in available vertebrate species. In addition, this alteration is predicted to be deleterious by in silico analysis. Based on the available evidence, the clinical significance of this variant remains unclear.

NM_016169.4(SUFU):c.734T>C (p.Phe245Ser)

Gene: SUFU (SUFU negative regulator of hedgehog signaling; plus strand). Cytogenetic location: 10q24.32.
Variant type: single nucleotide variant.
Coding change: c.734T>C on transcript NM_016169.4 (MANE Select); coding-DNA position 734, T replaced by C.
Protein change: p.Phe245Ser; replaces phenylalanine 245 with serine.
Molecular consequence: missense variant.
Genome position (GRCh38, 1-based): chr10:102,594,043, T>C. VCF-style: chr10-102594043-T-C. GRCh37 (hg19) VCF-style: chr10-104353800-T-C.
Other names: c.734T>C, p.Phe245Ser (NM_001178133.2); short protein forms F245S.
Identifiers: ClinVar variation 860681 (VCV000860681.13), dbSNP rs1303650670, ClinGen allele CA377909873.